The following is an entry in ClinVar:

NM_001365951.3(KIF1B):c.5027C>G (p.Pro1676Arg)

Gene: KIF1B (kinesin family member 1B; plus strand). Cytogenetic location: 1p36.22.
Variant type: single nucleotide variant.
Coding change: c.5027C>G on transcript NM_001365951.3 (MANE Select); coding-DNA position 5027, C replaced by G.
Protein change: p.Pro1676Arg; replaces proline 1676 with arginine.
Molecular consequence: missense variant.
Genome position (GRCh38, 1-based): chr1:10,374,396, C>G. VCF-style: chr1-10374396-C-G. GRCh37 (hg19) VCF-style: chr1-10434454-C-G.
Other names: c.5027C>G, p.Pro1676Arg (NM_001365952.1); c.4889C>G, p.Pro1630Arg (NM_015074.3); short protein forms P1676R, P1630R.
Identifiers: ClinVar variation 2448743 (VCV002448743.2), dbSNP rs774262341, ClinGen allele CA582247.

ClinVar aggregate classification (germline): Uncertain significance (1 of 4 stars; one submission).

Allele frequency attached by ClinVar (database versions not stated): ExAC 0.00001.
gnomAD v4.1: 1 of 1,614,168 alleles (0.000062%); highest among the groups gnomAD compares: East Asian, 0.0022%; no homozygotes.

Submission:

Ambry Genetics
Classification: Uncertain significance. Last evaluated: 2022-12-29. Review status: criteria provided, single submitter. Criteria: Ambry Variant Classification Scheme 2023. Collection method: clinical testing. Allele origin: germline.
Comment: The p.P1630R variant (also known as c.4889C>G), located in coding exon 43 of the KIF1B gene, results from a C to G substitution at nucleotide position 4889. The proline at codon 1630 is replaced by arginine, an amino acid with dissimilar properties. This amino acid position is conserved. In addition, this alteration is predicted to be tolerated by in silico analysis. Since supporting evidence is limited at this time, the clinical significance of this alteration remains unclear.